The following is an entry in ClinVar:

ClinVar aggregate classification (germline): Uncertain significance (1 of 4 stars; one submission).

gnomAD v4.1: 1 of 1,209,498 alleles (0.000083%); highest among the groups gnomAD compares: Non-Finnish European, 0.00011%; no homozygotes.

Submission:

GeneDx
Classification: Uncertain significance. Last evaluated: 2024-01-07. Review status: criteria provided, single submitter. Criteria: GeneDx Variant Classification Process June 2021. Collection method: clinical testing. Allele origin: germline. Affected: yes.
Comment: Not observed at significant frequency in large population cohorts (gnomAD); In silico analysis supports that this missense variant has a deleterious effect on protein structure/function; Has not been previously published as pathogenic or benign to our knowledge; Variants in candidate genes are classified as variants of uncertain significance in accordance with ACMG guidelines (PMID: 25741868)

NM_019045.5(WDR44):c.1820C>G (p.Thr607Ser)

Gene: WDR44 (WD repeat domain 44; plus strand). Cytogenetic location: Xq24.
Variant type: single nucleotide variant.
Coding change: c.1820C>G on transcript NM_019045.5 (MANE Select); coding-DNA position 1820, C replaced by G.
Protein change: p.Thr607Ser; replaces threonine 607 with serine.
Molecular consequence: missense variant.
Genome position (GRCh38, 1-based): chrX:118,432,863, C>G. VCF-style: chrX-118432863-C-G. GRCh37 (hg19) VCF-style: chrX-117566826-C-G.
Other names: c.1820C>G, p.Thr607Ser (NM_001184965.2); c.1745C>G, p.Thr582Ser (NM_001184966.1); short protein forms T582S, T607S.
Identifiers: ClinVar variation 3367609 (VCV003367609.1).